The following is an entry in ClinVar:

NM_001009944.3(PKD1):c.6383A>C (p.Asn2128Thr)

Gene: PKD1 (polycystin 1, transient receptor potential channel interacting; minus strand). Cytogenetic location: 16p13.3.
Variant type: single nucleotide variant.
Coding change: c.6383A>C on transcript NM_001009944.3 (MANE Select); coding-DNA position 6383, A replaced by C.
Protein change: p.Asn2128Thr; replaces asparagine 2128 with threonine.
Molecular consequence: missense variant.
Genome position (GRCh38, 1-based): chr16:2,108,784, T>G on the plus strand (A>C on the coding strand, the complement: PKD1 is on the minus strand). VCF-style: chr16-2108784-T-G. GRCh37 (hg19) VCF-style: chr16-2158785-T-G.
Other names: c.6383A>C, p.Asn2128Thr (NM_000296.4); short protein forms N2128T.
Identifiers: ClinVar variation 3382105 (VCV003382105.4).

ClinVar aggregate classification (germline): Conflicting classifications of pathogenicity. Review status: criteria provided, conflicting classifications (1 of 4 stars). 3 submissions from 3 submitters: Likely pathogenic (1); Uncertain significance (2). Last evaluated 2025-01-22.

Conditions:
Polycystic kidney disease, adult type (PKD1). Also called: POLYCYSTIC KIDNEY DISEASE, ADULT, TYPE I; Polycystic Kidney Disease 1, Autosomal Dominant; Polycystic kidney disease 1; Polycystic kidney disease 1, severe; Polycystic Kidney, Autosomal Dominant; POLYCYSTIC KIDNEY DISEASE 1 WITH OR WITHOUT POLYCYSTIC LIVER DISEASE. Identifiers: MedGen C3149841, MONDO:0008263, OMIM 173900.
PKD1-related disorder. Also called: PKD1-related condition.

Submissions (3):

PreventionGenetics, part of Exact Sciences
Classification: Likely pathogenic for PKD1-related condition. Last evaluated: 2025-01-22. Review status: criteria provided, single submitter. Criteria: ACMG Guidelines, 2015. Collection method: clinical testing. Allele origin: germline.
Comment: The PKD1 c.6383A>C variant is predicted to result in the amino acid substitution p.Asn2128Thr. To our knowledge, this variant has not been reported in the literature or in a large population database (gnomAD), indicating this variant is rare. The p.Asn2128 residue is highly conserved. Of note, different substitutions at the same codon have been reported in patients with autosomal dominant polycystic kidney disease (ADPKD) (p.Asn2128Asp in Supplementary Table 2, Nielsen et al. 2021. PubMed ID: 33639313 and Table S1, Kimura et al. 2023. PubMed ID: 37509056; p.Asn2128Lys in Trujillano et al. 2014. PubMed ID: 25333066; p.Asn2128His in Supplemental Table 1, Cornec-Le Gall et al. 2013. PubMed ID: 23431072). Taken together, the c.6383A>C (p.Asn2128Thr) variant is interpreted as likely pathogenic.

Fulgent Genetics
Classification: Uncertain significance for Polycystic kidney disease, adult type. Last evaluated: 2024-06-01. Review status: criteria provided, single submitter. Criteria: ACMG Guidelines, 2015. Collection method: clinical testing. Allele origin: germline.

Juno Genomics, Hangzhou Juno Genomics, Inc
Classification: Uncertain significance for Polycystic kidney disease, adult type. Review status: criteria provided, single submitter. Criteria: ACMG Guidelines, 2015. Collection method: clinical testing. Allele origin: germline. Affected: yes.
Comment: Absent from controls (or at extremely low frequency if recessive) in Genome Aggregation Database, Exome Sequencing Project, 1000 Genomes Project, or Exome Aggregation Consortium.;Multiple lines of computational evidence support a deleterious effect on the gene or gene product (conservation, evolutionary, splicing impact, etc).;Patient's phenotype or family history is highly specific for a disease with a single genetic etiology.